The following is an entry in ClinVar:

ClinVar aggregate classification (germline): Pathogenic/Likely pathogenic. Review status: criteria provided, multiple submitters, no conflicts (2 of 4 stars). 21 submissions from 21 submitters: Pathogenic (11); Likely pathogenic (10). Last evaluated 2026-04-08.

Conditions:
Familial partial lipodystrophy, Kobberling type. Also called: Familial partial lipodystrophy 1. Identifiers: Orphanet 79084, MedGen C1720859, MONDO:0012072, OMIM 608600.
Lateral meningocele syndrome (LMNS). Also called: NOTCH3-Related Lateral Meningocele Syndrome. Identifiers: Orphanet 2789, MedGen C1851710, MONDO:0007537, OMIM 130720.
Cerebral arteriopathy, autosomal dominant, with subcortical infarcts and leukoencephalopathy, type 1 (CADASIL1). Also called: CADASIL 1; CASIL; Cerebral arteriopathy with subcortical infarcts and leukoencephalopathy 1; DEMENTIA, HEREDITARY MULTIINFARCT TYPE. Identifiers: Orphanet 136, MedGen C4551768, MONDO:0000914, OMIM 125310.
Myofibromatosis, infantile, 2. Identifiers: Orphanet 2591, MedGen C3809084, MONDO:0014122, OMIM 615293.
Cerebral arteriopathy, autosomal recessive, with subcortical infarcts and leukoencephalopathy 1. Identifiers: MedGen C6065897, MONDO:0979867, OMIM 621295.
NOTCH3-related disorder. Also called: NOTCH3-related condition; NOTCH3-related disorders.

Allele frequency attached by ClinVar (database versions not stated): TOPMed 0.00002.
gnomAD v4.1: 32 of 1,613,970 alleles (0.002%); highest among the groups gnomAD compares: Admixed American, 0.013%; no homozygotes.

Submissions 1 to 9 of 21:

Dasa
Classification: Pathogenic for Cerebral arteriopathy, autosomal dominant, with subcortical infarcts and leukoencephalopathy, type 1. Last evaluated: 2026-04-08. Review status: criteria provided, single submitter. Criteria: DASA Assertion Criteria. Collection method: clinical testing. Allele origin: germline.
Comment: NM_000435.3(NOTCH3):c.1672C>T (p.Arg558Cys) is a missense variant that results in the substitution of arginine with cysteine. The affected residue or protein region has prior evidence supporting clinical relevance. This variant has been recurrently observed in individuals with NOTCH3-related disorders (PMID: 40783530; PMID: 8878478; PMID: 16009764; PMID: 23844775; PMID: 32172663). Also, this variant is rare in population databases. Computational evidence supports a deleterious effect. Based on the currently available evidence, this variant is classified as pathogenic.

Clinical Genetics Laboratory, Region Ostergotland
Classification: Likely pathogenic for Cerebral arteriopathy, autosomal dominant, with subcortical infarcts and leukoencephalopathy, type 1. Last evaluated: 2026-01-12. Review status: criteria provided, single submitter. Criteria: ACMG Guidelines, 2015. Collection method: clinical testing. Allele origin: germline. Affected: yes.
Comment: The NM_000435.3(NOTCH3):c.1672C>T missense variant (REVEL: 0.672) has been described in patients with CADASIL and is known to ClinVar (447794) and HGMD (CM961046). Missense variants involving Cystein associates with CADASIL. The variant is rare in population database (gnomAD v4.1.1). The following ACMG/AMP criteria were applied in classifying this variant as Likely Pathogenic: PM2, PP3, PM1, PS4_strong

CeGaT Center for Human Genetics Tuebingen
Classification: Likely pathogenic. Last evaluated: 2026-01-01. Review status: criteria provided, single submitter. Criteria: CeGaT Center For Human Genetics Tuebingen Variant Classification Criteria Version 2. Collection method: clinical testing. Allele origin: germline. Affected: yes. Observed: 2 variant alleles.
Comment: NOTCH3: PM1:Strong, PS4, PM2:Supporting

GeneDx
Classification: Likely pathogenic. Last evaluated: 2025-12-18. Review status: criteria provided, single submitter. Criteria: GeneDx Variant Classification Process June 2021. Collection method: clinical testing. Allele origin: germline. Affected: yes.
Comment: Not observed at significant frequency in large population cohorts (gnomAD); In silico analysis suggests that this missense variant does not alter protein structure/function; This variant is associated with the following publications: (PMID: 8878478, 39888183, 29757481, 9388399, 11102981, 15364702, 16009764, 24086431, 19174371, 27844030, 23844775, 11755616, 22218279, 25929831, 28710804, 31028544, 33130454, 32172663, 29188608, 31589614, 34851492, Cebi2021[Article], Rustemoglu2021[article], 37152446, 34741685, 24844136, 36380532, 36261288, 36047879, 36411388, 35130036, 35523050, 25344745, 17122431, 33535780, 26646783, 38162905, 31146726, 38790158, 39191170, 39033325, 40783530)

PreventionGenetics, part of Exact Sciences
Classification: Pathogenic for NOTCH3-related condition. Last evaluated: 2025-10-22. Review status: criteria provided, single submitter. Criteria: ACMG Guidelines, 2015. Collection method: clinical testing. Allele origin: germline.
Comment: The NOTCH3 c.1672C>T variant is predicted to result in the amino acid substitution p.Arg558Cys. This variant was reported to be causative for cerebral autosomal dominant arteriopathy with subcortical infarcts and leukoencephalopathy (CADASIL) (Chitnis et al. 2012. PubMed ID: 22218279; Ross et al. 2013. PubMed ID: 24086431; Yamamoto et al. 2009. PubMed ID: 19359623). This variant is reported in 0.0050% of alleles in individuals of East Asian descent in gnomAD. Most CADASIL causing variants in the NOTCH3 gene result in the gain or loss of one or more cysteine residues in the extracellular domain of the protein, as seen in this patient. This patient’s variant alters a cysteine residue and is located in the extracellular EGF-like domain 14. Pathogenic variants in EGF-like domains 1-6 appear to be fully penetrant and are usually associated with the classical CADASIL phenotype. However, there is variability in disease severity. Pathogenic variants in EGF-like domains 7-34 have a much higher population frequency, and can predispose to a milder small-vessel disease, possibly even displaying incomplete or at least very late onset complete penetrance (OMIM #125310; Rutten et al. 2016. PubMed ID: 27844030; Rutten et al. 2019. PubMed ID: 30032161). This variant is interpreted as pathogenic.

Labcorp Genetics (formerly Invitae), Labcorp
Classification: Pathogenic. Last evaluated: 2025-10-17. Review status: criteria provided, single submitter. Criteria: Invitae Variant Classification Sherloc (09022015). Collection method: clinical testing. Allele origin: germline.
Comment: This sequence change replaces arginine, which is basic and polar, with cysteine, which is neutral and slightly polar, at codon 558 of the NOTCH3 protein (p.Arg558Cys). This variant is present in population databases (rs75068032, gnomAD 0.005%). This missense change has been observed in individuals with cerebral arteriopathy with subcortical infarcts and leukoencephalopathy (PMID: 8878478, 16009764, 23844775, 32172663). This variant is also known as CGC>TGC; R>C in N12. ClinVar contains an entry for this variant (Variation ID: 447794). Invitae Evidence Modeling of protein sequence and biophysical properties (such as structural, functional, and spatial information, amino acid conservation, physicochemical variation, residue mobility, and thermodynamic stability) indicates that this missense variant is expected to disrupt NOTCH3 protein function with a positive predictive value of 95%. For these reasons, this variant has been classified as Pathogenic.

Mayo Clinic Laboratories, Mayo Clinic
Classification: Likely pathogenic. Last evaluated: 2025-08-25. Review status: criteria provided, single submitter. Criteria: ACMG Guidelines, 2015. Collection method: clinical testing. Allele origin: germline. Observed: 3 variant alleles.
Comment: PP1, PP3, PP4, PM1, PM2_supporting, PS4_moderate

Clinical Genomics Laboratory, Washington University in St. Louis
Classification: Likely pathogenic for Cerebral arteriopathy, autosomal dominant, with subcortical infarcts and leukoencephalopathy, type 1. Last evaluated: 2025-05-13. Review status: criteria provided, single submitter. Criteria: ACMG Guidelines, 2015. Collection method: clinical testing. Allele origin: germline. Affected: yes.
Comment: The NOTCH3 c.1672C>T (p.Arg558Cys) variant has been reported in at least five individuals from four families affected with cerebral arteriopathy with subcortical infracts and leukoencephalopathy type 1 (CADSIL) (Ross OA et al., PMID: 24086431; Tikka S et al., PMID: 19174371; Yamamoto et al., PMID: 19359623). This variant is only observed on 32 out of 1,613,970 alleles in the general population (gnomAD v4.1.0), indicating it is not a common variant. Computational predictors indicate that the variant is damaging, evidence that correlates with impact on NOTCH3 function. This variant resides within the EGF-like 14 domain, amino acids 545-580, of NOTCH3 and is defined as a critical functional domain (Rutten JW et al., PMID: 30032161). This variant has been reported in the ClinVar database as a germline pathogenic variant by eight submitters and likely pathogenic by five submitters (Variation ID: 447794). Based on available information and the ACMG/AMP guidelines for variant interpretation (Richards S et al., PMID: 25741868), this variant is classified as likely pathogenic.

Women's Health and Genetics/Laboratory Corporation of America, LabCorp
Classification: Pathogenic for Cerebral arteriopathy, autosomal dominant, with subcortical infarcts and leukoencephalopathy, type 1. Last evaluated: 2024-11-27. Review status: criteria provided, single submitter. Criteria: LabCorp Variant Classification Summary - May 2015. Collection method: clinical testing. Allele origin: germline.
Comment: Variant summary: NOTCH3 c.1672C>T (p.Arg558Cys) results in a non-conservative amino acid change in the encoded protein sequence. Five of five in-silico tools predict a damaging effect of the variant on protein function. The variant allele was found at a frequency of 2.4e-05 in 251034 control chromosomes. c.1672C>T has been reported in the literature in multiple individuals affected with Cerebral arteriopathy, autosomal dominant, with subcortical infarcts and leukoencephalopathy, type 1 (Ilinca_2020, Craggs_2013, Peters_2005, Joutel_1996). These data indicate that the variant is very likely to be associated with disease. To our knowledge, no experimental evidence demonstrating an impact on protein function has been reported. The following publications have been ascertained in the context of this evaluation (PMID: 32172663, 23844775, 16009764, 8878478). ClinVar contains an entry for this variant (Variation ID: 447794). Based on the evidence outlined above, the variant was classified as pathogenic.

NM_000435.3(NOTCH3):c.1672C>T (p.Arg558Cys)

Gene: NOTCH3 (notch receptor 3; minus strand). Cytogenetic location: 19p13.12.
Variant type: single nucleotide variant.
Coding change: c.1672C>T on transcript NM_000435.3 (MANE Select); coding-DNA position 1672, C replaced by T.
Protein change: p.Arg558Cys; replaces arginine 558 with cysteine.
Molecular consequence: missense variant.
Genome position (GRCh38, 1-based): chr19:15,187,273, G>A on the plus strand (C>T on the coding strand, the complement: NOTCH3 is on the minus strand). VCF-style: chr19-15187273-G-A. GRCh37 (hg19) VCF-style: chr19-15298084-G-A.
Other names: short protein forms R558C.
Identifiers: ClinVar variation 447794 (VCV000447794.44), dbSNP rs75068032, ClinGen allele CA9263584.
Genomic context (GRCh38, chr19:15,187,273, plus strand): 5'-GTGTGCCCGTGTAGCCAGGAGCACAGGCACATGAGAAGCTGGCGATGCCATCCACGCAGC[G>A]ACCATGGTGGCATGGGTCAGGGGAGCAGTCGTCCACGTTGCGATCACACAGCGTGCCCTC-3'
Protein context (NP_000426.2, residues 548-568): DCSPDPCHHG[Arg558Cys]CVDGIASFSC